The following is an entry in ClinVar:

ClinVar aggregate classification (germline): Likely pathogenic (1 of 4 stars; one submission).

Conditions:
Primary ciliary dyskinesia. Also called: Ciliary dyskinesia. Identifiers: Orphanet 244, MedGen C0008780, MONDO:0016575, HP:0012265.

Submission:

Natera, Inc.
Classification: Likely pathogenic for Primary ciliary dyskinesia. Last evaluated: 2024-07-01. Review status: criteria provided, single submitter. Criteria: Natera Variant Classification Schema (03/2026). Collection method: clinical testing. Allele origin: germline.
Comment: The c.1851T>G variant in DNAI1 is a nonsense variant predicted to introduce a stop codon at amino acid 617. This variant is expected to result in nonsense mediated decay, truncation, or a dysfunctional protein product. This variant is rare in the general population with a frequency below the threshold expected for the associated phenotype(s). Given the available evidence, this variant is classified as Likely Pathogenic.

NM_012144.4(DNAI1):c.1851T>G (p.Tyr617Ter)

Gene: DNAI1 (dynein axonemal intermediate chain 1; plus strand). Cytogenetic location: 9p13.3.
Variant type: single nucleotide variant.
Coding change: c.1851T>G on transcript NM_012144.4 (MANE Select); coding-DNA position 1851, T replaced by G.
Protein change: p.Tyr617Ter; replaces tyrosine 617 with a stop codon.
Molecular consequence: nonsense.
Genome position (GRCh38, 1-based): chr9:34,517,317, T>G. VCF-style: chr9-34517317-T-G. GRCh37 (hg19) VCF-style: chr9-34517315-T-G.
Other names: c.1863T>G, p.Tyr621Ter (NM_001281428.2); short protein forms Y617*, Y621*.
Identifiers: ClinVar variation 4815541 (VCV004815541.1).